The following is an entry in ClinVar:

ClinVar aggregate classification (germline): Uncertain significance (1 of 4 stars; one submission).

Submission:

Labcorp Genetics (formerly Invitae), Labcorp
Classification: Uncertain significance. Last evaluated: 2025-04-16. Review status: criteria provided, single submitter. Criteria: Invitae Variant Classification Sherloc (09022015). Collection method: clinical testing. Allele origin: germline.
Comment: This sequence change falls in intron 4 of the DRAM2 gene. It does not directly change the encoded amino acid sequence of the DRAM2 protein. This variant is not present in population databases (gnomAD no frequency). This variant has not been reported in the literature in individuals affected with DRAM2-related conditions. ClinVar contains an entry for this variant (Variation ID: 1946657). Algorithms developed to predict the effect of sequence changes on RNA splicing suggest that this variant may disrupt the consensus splice site. In summary, the available evidence is currently insufficient to determine the role of this variant in disease. Therefore, it has been classified as a Variant of Uncertain Significance.

NM_001349884.2(DRAM2):c.199+7A>T

Gene: DRAM2 (DNA damage regulated autophagy modulator 2; minus strand). Cytogenetic location: 1p13.3.
Variant type: single nucleotide variant.
Coding change: c.199+7A>T on transcript NM_001349884.2 (MANE Select); 7 bases into the intron after coding-DNA position 199, A replaced by T.
Molecular consequence: intron variant.
Genome position (GRCh38, 1-based): chr1:111,126,220, T>A on the plus strand (A>T on the coding strand, the complement: DRAM2 is on the minus strand). VCF-style: chr1-111126220-T-A. GRCh37 (hg19) VCF-style: chr1-111668842-T-A.
Other names: c.199+7A>T (NM_001349885.2, NM_178454.6, NM_001349882.2 and 1 more transcripts); c.-52+7A>T (NM_001349889.2, NM_001349890.2, NM_001349892.2 and 1 more transcripts); c.41+7A>T (NM_001349887.2, NM_001349886.2, NM_001349888.2); c.-220+7A>T (NM_001349891.2).
Identifiers: ClinVar variation 1946657 (VCV001946657.5), dbSNP rs1163962370, ClinGen allele CA2580060805.